The following is an entry in ClinVar:

NM_001291303.3(FAT4):c.1537A>G (p.Ser513Gly)

Gene: FAT4 (FAT atypical cadherin 4; plus strand). Cytogenetic location: 4q28.1.
Variant type: single nucleotide variant.
Coding change: c.1537A>G on transcript NM_001291303.3 (MANE Select); coding-DNA position 1537, A replaced by G.
Protein change: p.Ser513Gly; replaces serine 513 with glycine.
Molecular consequence: missense variant.
Genome position (GRCh38, 1-based): chr4:125,317,948, A>G. VCF-style: chr4-125317948-A-G. GRCh37 (hg19) VCF-style: chr4-126239103-A-G.
Other names: c.1537A>G, p.Ser513Gly (NM_001291285.3, NM_024582.6); short protein forms S513G.
Identifiers: ClinVar variation 1347055 (VCV001347055.8), dbSNP rs750439197, ClinGen allele CA3072007.

ClinVar aggregate classification (germline): Uncertain significance (1 of 4 stars; one submission).

Allele frequency attached by ClinVar (database versions not stated): gnomAD exomes below 0.00001 and 0.00001; ExAC 0.00002.
gnomAD v4.1: 3 of 1,614,148 alleles (0.00019%); highest among the groups gnomAD compares: South Asian, 0.0022%; no homozygotes.

Submission:

Labcorp Genetics (formerly Invitae), Labcorp
Classification: Uncertain significance. Last evaluated: 2022-08-15. Review status: criteria provided, single submitter. Criteria: Invitae Variant Classification Sherloc (09022015). Collection method: clinical testing. Allele origin: germline.
Comment: In summary, the available evidence is currently insufficient to determine the role of this variant in disease. Therefore, it has been classified as a Variant of Uncertain Significance. Advanced modeling of protein sequence and biophysical properties (such as structural, functional, and spatial information, amino acid conservation, physicochemical variation, residue mobility, and thermodynamic stability) performed at Invitae indicates that this missense variant is not expected to disrupt FAT4 protein function. ClinVar contains an entry for this variant (Variation ID: 1347055). This variant has not been reported in the literature in individuals affected with FAT4-related conditions. This variant is present in population databases (rs750439197, gnomAD 0.002%). This sequence change replaces serine, which is neutral and polar, with glycine, which is neutral and non-polar, at codon 513 of the FAT4 protein (p.Ser513Gly).